The following is an entry in ClinVar:

NM_004168.4(SDHA):c.1794+5G>C

Gene: SDHA (succinate dehydrogenase complex flavoprotein subunit A; plus strand). Cytogenetic location: 5p15.33.
Variant type: single nucleotide variant.
Coding change: c.1794+5G>C on transcript NM_004168.4 (MANE Select); 5 bases into the intron after coding-DNA position 1794, G replaced by C.
Molecular consequence: intron variant.
Genome position (GRCh38, 1-based): chr5:251,473, G>C. VCF-style: chr5-251473-G-C. GRCh37 (hg19) VCF-style: chr5-251588-G-C.
Other names: c.1552-2920G>C (NM_001330758.2); c.1650+5G>C (NM_001294332.2).
Identifiers: ClinVar variation 1465111 (VCV001465111.6), dbSNP rs1205244370, ClinGen allele CA2573139519.
Genomic context (GRCh38, chr5:251,473, plus strand): 5'-ACGGAGCAGAGGCACGGAAGGAGTCACGGGGCGCGCATGCCAGGGAAGACTACAAGGTGG[G>C]CCTTCTCACCACGCCCACCTGCACCTGCCTTTTCCTGCCACCTGGTGGGACTCAGCCCCA-3'

ClinVar aggregate classification (germline): Uncertain significance (1 of 4 stars; one submission).

Conditions:
Mitochondrial complex II deficiency, nuclear type 1. Also called: SUCCINATE CoQ REDUCTASE DEFICIENCY. Identifiers: Orphanet 3208, MedGen C5700310, MONDO:0100294, OMIM 252011.
Pheochromocytoma/paraganglioma syndrome 5. Also called: Paragangliomas 5; SDHA-Related Hereditary Paraganglioma-Pheochromocytoma Syndrome. Identifiers: Orphanet 29072, MedGen C3279992, MONDO:0013602, OMIM 614165.

Submission:

Labcorp Genetics (formerly Invitae), Labcorp
Classification: Uncertain significance for Pheochromocytoma/paraganglioma syndrome 5; Mitochondrial complex II deficiency, nuclear type 1. Last evaluated: 2021-10-02. Review status: criteria provided, single submitter. Criteria: Invitae Variant Classification Sherloc (09022015). Collection method: clinical testing. Allele origin: germline.
Comment: In summary, the available evidence is currently insufficient to determine the role of this variant in disease. Therefore, it has been classified as a Variant of Uncertain Significance. Variants that disrupt the consensus splice site are a relatively common cause of aberrant splicing (PMID: 17576681, 9536098). Algorithms developed to predict the effect of sequence changes on RNA splicing suggest that this variant may disrupt the consensus splice site. This variant has not been reported in the literature in individuals affected with SDHA-related conditions. This variant is not present in population databases (ExAC no frequency). This sequence change falls in intron 13 of the SDHA gene. It does not directly change the encoded amino acid sequence of the SDHA protein. It affects a nucleotide within the consensus splice site of the intron.

Literature cited by the submitters: PubMed 17576681; PubMed 9536098.